The following is an entry in ClinVar:

ClinVar aggregate classification (germline): Uncertain significance. Review status: criteria provided, multiple submitters, no conflicts (2 of 4 stars). 2 submissions from 2 submitters: Uncertain significance (2). Last evaluated 2024-05-14.

Conditions:
Developmental and epileptic encephalopathy, 66. Also called: EPILEPTIC ENCEPHALOPATHY, EARLY INFANTILE, 66. Identifiers: MedGen C4748070, MONDO:0054845, OMIM 618067.

gnomAD v4.1: 1 of 1,599,804 alleles (0.000063%); highest among the groups gnomAD compares: Admixed American, 0.0017%; no homozygotes.

Submissions (2):

GeneDx
Classification: Uncertain significance. Last evaluated: 2024-05-14. Review status: criteria provided, single submitter. Criteria: GeneDx Variant Classification Process June 2021. Collection method: clinical testing. Allele origin: germline. Affected: yes.
Comment: Not observed at significant frequency in large population cohorts (gnomAD); Has not been previously published as pathogenic or benign to our knowledge; Nonsense variant predicted to result in protein truncation or nonsense mediated decay in a gene for which loss-of-function is not an established mechanism of disease

Revvity Omics, Revvity
Classification: Uncertain significance for Developmental and epileptic encephalopathy, 66. Last evaluated: 2022-02-23. Review status: criteria provided, single submitter. Criteria: ACMG Guidelines, 2015. Collection method: clinical testing. Allele origin: germline.

NM_001100913.3(PACS2):c.1927C>T (p.Gln643Ter)

Gene: PACS2 (phosphofurin acidic cluster sorting protein 2; plus strand). Cytogenetic location: 14q32.33.
Variant type: single nucleotide variant.
Coding change: c.1927C>T on transcript NM_001100913.3 (MANE Select); coding-DNA position 1927, C replaced by T.
Protein change: p.Gln643Ter; replaces glutamine 643 with a stop codon.
Molecular consequence: nonsense.
Genome position (GRCh38, 1-based): chr14:105,384,914, C>T. VCF-style: chr14-105384914-C-T. GRCh37 (hg19) VCF-style: chr14-105851251-C-T.
Other names: c.1690C>T, p.Gln564Ter (NM_001243127.3); c.1915C>T, p.Gln639Ter (NM_015197.4); c.1927C>T (NM_001100913.2); short protein forms Q564*, Q639*, Q643*.
Identifiers: ClinVar variation 2434560 (VCV002434560.4), dbSNP rs1555413191, ClinGen allele CA391184286.